The following is an entry in ClinVar:

NM_005005.3(NDUFB9):c.1A>G (p.Met1Val)

Gene: NDUFB9 (NADH:ubiquinone oxidoreductase subunit B9; plus strand). Cytogenetic location: 8q24.13.
Variant type: single nucleotide variant.
Coding change: c.1A>G on transcript NM_005005.3 (MANE Select); coding-DNA position 1, A replaced by G.
Protein change: p.Met1Val; changes the start codon (methionine 1).
Molecular consequence: missense variant, initiator codon variant. On other transcripts: 5 prime UTR variant (2).
Genome position (GRCh38, 1-based): chr8:124,539,187, A>G. VCF-style: chr8-124539187-A-G. GRCh37 (hg19) VCF-style: chr8-125551428-A-G.
Other names: c.-133A>G (NM_001278645.2); c.-127A>G (NM_001278646.2); c.1A>G, p.Met1Val (NM_001311168.2); short protein forms M1V.
Identifiers: ClinVar variation 379528 (VCV000379528.9), dbSNP rs369824948, ClinGen allele CA4871426.

ClinVar aggregate classification (germline): Conflicting classifications of pathogenicity. Review status: criteria provided, conflicting classifications (1 of 4 stars). 3 submissions from 3 submitters: Pathogenic (1); Uncertain significance (2). Last evaluated 2024-04-18.

Allele frequency attached by ClinVar (database versions not stated): gnomAD 0.00005; ESP Exome Variant Server 0.00008; TOPMed 0.00009; ExAC 0.00012; gnomAD exomes 0.00014.

Submissions (3):

Labcorp Genetics (formerly Invitae), Labcorp
Classification: Uncertain significance. Last evaluated: 2024-04-18. Review status: criteria provided, single submitter. Criteria: Invitae Variant Classification Sherloc (09022015). Collection method: clinical testing. Allele origin: germline.
Comment: This sequence change affects the initiator methionine of the NDUFB9 mRNA. The next in-frame methionine is located at codon 44. This variant is present in population databases (rs369824948, gnomAD 0.03%). This variant has not been reported in the literature in individuals affected with NDUFB9-related conditions. ClinVar contains an entry for this variant (Variation ID: 379528). Experimental studies and prediction algorithms are not available or were not evaluated, and the functional significance of this variant is currently unknown. In summary, the available evidence is currently insufficient to determine the role of this variant in disease. Therefore, it has been classified as a Variant of Uncertain Significance.

Women's Health and Genetics/Laboratory Corporation of America, LabCorp
Classification: Uncertain significance. Last evaluated: 2024-02-09. Review status: criteria provided, single submitter. Criteria: LabCorp Variant Classification Summary - May 2015. Collection method: clinical testing. Allele origin: germline.
Comment: Variant summary: NDUFB9 c.1A>G (p.Met1Val) alters the initiation codon and is predicted to result either in absence of the protein or truncation of the encoded protein due to translation initiation at a downstream codon. An alternative downstream in-frame start codon (Met44) is located in exon 2 of the encoded protein. An activation of potential downstream translation at this initiation site would result in a shortened protein missing the first 43 amino acids from the protein sequence. To our knowledge no pathogenic variants have been reported upstream of this alternate codon. Three of four in-silico tools predict a damaging effect of the variant on protein function. The variant allele was found at a frequency of 0.00014 in 251262 control chromosomes, predominantly at a frequency of 0.00029 within the Non-Finnish European subpopulation in the gnomAD database. This frequency does not allow for any conclusions about variant significance. To our knowledge, no occurrence of c.1A>G in individuals affected with Mitochondrial Complex 1 Deficiency, Nuclear Type 24 and no experimental evidence demonstrating its impact on protein function have been reported. ClinVar contains an entry for this variant (Variation ID: 379528). Based on the evidence outlined above, the variant was classified as uncertain significance.

GeneDx
Classification: Pathogenic. Last evaluated: 2015-04-22. Review status: criteria provided, single submitter. Criteria: GeneDx Variant Classification (06012015). Collection method: clinical testing. Allele origin: germline. Affected: yes.
Comment: The c.1 A>G variant in the NDUFB9 gene has not been reported as a pathogenic variant. The substitution alters the initiator Methionine codon, and the resultant protein would be described as p.Met1?" using a question mark to signify that it is not known if the loss of Met1 means that all protein translation is completely prevented or if an abnormal protein is produced using an alternate Met. We interpret c.1 A>G to be a pathogenic variant."